The following is an entry in ClinVar:

ClinVar aggregate classification (germline): Likely pathogenic (1 of 4 stars; one submission).

Conditions:
Neutral 1 amino acid transport defect (HND). Also called: HARTNUP DISORDER; Hartnup disease. Identifiers: Orphanet 2116, MedGen C0018609, MONDO:0009324, OMIM 234500.

gnomAD v4.1: 14 of 1,613,648 alleles (0.00087%); highest among the groups gnomAD compares: East Asian, 0.0045%; no homozygotes.

Submissions (2):

Women's Health and Genetics/Laboratory Corporation of America, LabCorp
Classification: Likely pathogenic for Neutral 1 amino acid transport defect. Last evaluated: 2025-05-28. Review status: criteria provided, single submitter. Criteria: LabCorp Variant Classification Summary - May 2015. Collection method: clinical testing. Allele origin: germline.
Comment: Variant summary: SLC6A19 c.1016+1G>A is located in a canonical splice-site and is predicted to affect mRNA splicing resulting in a significantly altered protein due to either exon skipping, shortening, or inclusion of intronic material. Variants that disrupt the consensus splice site are a relatively common cause of aberrant splicing and loss of SLC6A19 function. Several computational tools predict a significant impact on normal splicing: Four predict the variant abolishes a 5' splicing donor site. However, these predictions have yet to be confirmed by functional studies. The variant allele was found at a frequency of 1.2e-05 in 251022 control chromosomes. To our knowledge, no occurrence of c.1016+1G>A in individuals affected with Hartnup Disease and no experimental evidence demonstrating its impact on protein function have been reported. No submitters have cited clinical-significance assessments for this variant to ClinVar. Based on the evidence outlined above, the variant was classified as likely pathogenic.

Dr. Peter K. Rogan Lab, Western University
No classification provided (evidence only). Condition: Gastric cancer. Review status: no classification provided. Collection method: in vitro. Allele origin: not applicable. Functional consequence: retained intron. Not counted in ClinVar's aggregate classification.

NM_001003841.3(SLC6A19):c.1016+1G>A

Gene: SLC6A19 (solute carrier family 6 member 19; plus strand). Cytogenetic location: 5p15.33.
Variant type: single nucleotide variant.
Coding change: c.1016+1G>A on transcript NM_001003841.3 (MANE Select); the canonical splice donor site of the intron after coding-DNA position 1016, G replaced by A.
Molecular consequence: splice donor variant.
Genome position (GRCh38, 1-based): chr5:1,216,687, G>A. VCF-style: chr5-1216687-G-A. GRCh37 (hg19) VCF-style: chr5-1216802-G-A.
Other names: NC_000005.9:g.1216802G>A.
Identifiers: ClinVar variation 3902540 (VCV003902540.2).